The following is an entry in ClinVar:

NM_001378454.1(ALMS1):c.2126C>T (p.Ala709Val)

Gene: ALMS1 (ALMS1 centrosome and basal body associated protein; plus strand). Cytogenetic location: 2p13.1.
Variant type: single nucleotide variant.
Coding change: c.2126C>T on transcript NM_001378454.1 (MANE Select); coding-DNA position 2126, C replaced by T.
Protein change: p.Ala709Val; replaces alanine 709 with valine.
Molecular consequence: missense variant.
Genome position (GRCh38, 1-based): chr2:73,448,653, C>T. VCF-style: chr2-73448653-C-T. GRCh37 (hg19) VCF-style: chr2-73675780-C-T.
Other names: c.2129C>T, p.Ala710Val (NM_015120.4); short protein forms A709V, A710V.
Identifiers: ClinVar variation 1389265 (VCV001389265.3), dbSNP rs2103773702, ClinGen allele CA347266814.

ClinVar aggregate classification (germline): Uncertain significance (1 of 4 stars; one submission).

Conditions:
Alstrom syndrome (ALMS). Identifiers: Orphanet 64, MedGen C0268425, MONDO:0008763, OMIM 203800.

Submission:

Labcorp Genetics (formerly Invitae), Labcorp
Classification: Uncertain significance for Alstrom syndrome. Last evaluated: 2021-10-25. Review status: criteria provided, single submitter. Criteria: Invitae Variant Classification Sherloc (09022015). Collection method: clinical testing. Allele origin: germline.
Comment: This sequence change replaces alanine, which is neutral and non-polar, with valine, which is neutral and non-polar, at codon 710 of the ALMS1 protein (p.Ala710Val). This variant is not present in population databases (gnomAD no frequency). This variant has not been reported in the literature in individuals affected with ALMS1-related conditions. Experimental studies and prediction algorithms are not available or were not evaluated, and the functional significance of this variant is currently unknown. In summary, the available evidence is currently insufficient to determine the role of this variant in disease. Therefore, it has been classified as a Variant of Uncertain Significance.